The following is an entry in ClinVar:

ClinVar aggregate classification (germline): Uncertain significance (1 of 4 stars; one submission).

Allele frequency attached by ClinVar (database versions not stated): gnomAD exomes 0.00001.
gnomAD v4.1: 3 of 1,612,990 alleles (0.00019%); highest among the groups gnomAD compares: Non-Finnish European, 0.00025%; no homozygotes.

Submission:

Labcorp Genetics (formerly Invitae), Labcorp
Classification: Uncertain significance. Last evaluated: 2025-11-03. Review status: criteria provided, single submitter. Criteria: Invitae Variant Classification Sherloc (09022015). Collection method: clinical testing. Allele origin: germline.
Comment: This sequence change replaces glycine, which is neutral and non-polar, with serine, which is neutral and polar, at codon 386 of the MYO18B protein (p.Gly386Ser). This variant is not present in population databases (gnomAD no frequency). This variant has not been reported in the literature in individuals affected with MYO18B-related conditions. ClinVar contains an entry for this variant (Variation ID: 1472282). An algorithm developed to predict the effect of missense changes on protein structure and function outputs the following: PolyPhen-2: "Benign". The serine amino acid residue is found in multiple mammalian species, which suggests that this missense change does not adversely affect protein function. In summary, the available evidence is currently insufficient to determine the role of this variant in disease. Therefore, it has been classified as a Variant of Uncertain Significance.

NM_032608.7(MYO18B):c.1156G>A (p.Gly386Ser)

Gene: MYO18B (myosin XVIIIB; plus strand). Cytogenetic location: 22q12.1.
Variant type: single nucleotide variant.
Coding change: c.1156G>A on transcript NM_032608.7 (MANE Select); coding-DNA position 1156, G replaced by A.
Protein change: p.Gly386Ser; replaces glycine 386 with serine.
Molecular consequence: missense variant.
Genome position (GRCh38, 1-based): chr22:25,769,072, G>A. VCF-style: chr22-25769072-G-A. GRCh37 (hg19) VCF-style: chr22-26165039-G-A.
Other names: c.1156G>A, p.Gly386Ser (NM_001318245.2); short protein forms G386S.
Identifiers: ClinVar variation 1472282 (VCV001472282.6), dbSNP rs2086619106, ClinGen allele CA411004252.